The following is an entry in ClinVar:

NM_001270974.2(HYDIN):c.14886C>T (p.Thr4962=)

Gene: HYDIN (HYDIN axonemal central pair apparatus protein; minus strand). Cytogenetic location: 16q22.2.
Variant type: single nucleotide variant.
Coding change: c.14886C>T on transcript NM_001270974.2 (MANE Select); coding-DNA position 14886, C replaced by T.
Protein change: p.Thr4962=; no amino-acid change (threonine 4962 retained).
Molecular consequence: synonymous variant.
Genome position (GRCh38, 1-based): chr16:70,808,060, G>A on the plus strand (C>T on the coding strand, the complement: HYDIN is on the minus strand). VCF-style: chr16-70808060-G-A. GRCh37 (hg19) VCF-style: chr16-70841963-G-A.
Identifiers: ClinVar variation 3038780 (VCV003038780.2), dbSNP rs747200458, ClinGen allele CA8148335.
Genomic context (GRCh38, chr16:70,808,060, plus strand): 5'-GCCTCCCTGGCCTCCTGGGGCTGCATTAATGAGTTTTTCTGCGTGGAAGTCTGTACAGTC[G>A]GTCTGAAAGGGGAACAAACAAACTCAGCTCACGTGAGATCCTGAAGAGCACACCAGGAGC-3'
Protein context (NP_001257903.1, residues 4952-4972): TRQRTEYYCR[Thr4962=]DCTDFHAEKL

ClinVar aggregate classification (germline): Likely benign (0 of 4 stars; one submission).

Conditions:
HYDIN-related disorder. Also called: HYDIN-related condition.

Allele frequency attached by ClinVar (database versions not stated): TOPMed 0.00002; gnomAD 0.00003; gnomAD exomes 0.00003; ExAC 0.00009.
gnomAD v4.1: 51 of 1,598,298 alleles (0.0032%); highest among the groups gnomAD compares: South Asian, 0.035%; no homozygotes.

Submission:

PreventionGenetics, part of Exact Sciences
Classification: Likely benign for HYDIN-related condition. Last evaluated: 2019-05-24. Review status: no assertion criteria provided. Collection method: clinical testing. Allele origin: germline.
Comment: This variant is classified as likely benign based on ACMG/AMP sequence variant interpretation guidelines (Richards et al. 2015 PMID: 25741868, with internal and published modifications).